The following is an entry in ClinVar:

NM_001008537.3(NEXMIF):c.1814C>A (p.Pro605His)

Gene: NEXMIF (neurite extension and migration factor; minus strand). Cytogenetic location: Xq13.3.
Variant type: single nucleotide variant.
Coding change: c.1814C>A on transcript NM_001008537.3 (MANE Select); coding-DNA position 1814, C replaced by A.
Protein change: p.Pro605His; replaces proline 605 with histidine.
Molecular consequence: missense variant.
Genome position (GRCh38, 1-based): chrX:74,742,743, G>T on the plus strand (C>A on the coding strand, the complement: NEXMIF is on the minus strand). VCF-style: chrX-74742743-G-T. GRCh37 (hg19) VCF-style: chrX-73962578-G-T.
Other names: short protein forms P605H.
Identifiers: ClinVar variation 2741035 (VCV002741035.3), dbSNP rs778364110, ClinGen allele CA10455094.
Genomic context (GRCh38, chrX:74,742,743, plus strand): 5'-GCAGGTGGCAGAAATGACACCTCAAAGCTACCTGGTTCAAAGCTTTGCTTTTGGGAAAAA[G>T]GTGTCTTGATGGAGTCCGTGTTGGTGTTTCTCTGCTTCTTCTTCTTTTGCCAGAAGCCTT-3'
Protein context (NP_001008537.1, residues 595-615): RNTNTDSIKT[Pro605His]FSQKQSFEPG

ClinVar aggregate classification (germline): Uncertain significance (1 of 4 stars; one submission).

Allele frequency attached by ClinVar (database versions not stated): gnomAD exomes below 0.00001; gnomAD 0.00001; ExAC 0.00002.
gnomAD v4.1: 2 of 1,208,954 alleles (0.00017%); highest among the groups gnomAD compares: African/African-American, 0.0035%; no homozygotes.

Submission:

Labcorp Genetics (formerly Invitae), Labcorp
Classification: Uncertain significance. Last evaluated: 2023-11-27. Review status: criteria provided, single submitter. Criteria: Invitae Variant Classification Sherloc (09022015). Collection method: clinical testing. Allele origin: germline.
Comment: This sequence change replaces proline, which is neutral and non-polar, with histidine, which is basic and polar, at codon 605 of the NEXMIF protein (p.Pro605His). The frequency data for this variant in the population databases is considered unreliable, as metrics indicate poor data quality at this position in the gnomAD database. This variant has not been reported in the literature in individuals affected with NEXMIF-related conditions. Algorithms developed to predict the effect of missense changes on protein structure and function output the following: SIFT: "Not Available"; PolyPhen-2: "Benign"; Align-GVGD: "Not Available". The histidine amino acid residue is found in multiple mammalian species, which suggests that this missense change does not adversely affect protein function. In summary, the available evidence is currently insufficient to determine the role of this variant in disease. Therefore, it has been classified as a Variant of Uncertain Significance.